The following is an entry in ClinVar:

ClinVar aggregate classification (germline): Benign (1 of 4 stars; one submission).

Allele frequency attached by ClinVar (database versions not stated): gnomAD exomes 0.00016; ESP Exome Variant Server 0.00031; ExAC 0.00040; 1000 Genomes Project 30x 0.00078; 1000 Genomes Project 0.00080; gnomAD 0.00087; TOPMed 0.00114.
gnomAD v4.1: 372 of 1,607,132 alleles (0.023%); highest among the groups gnomAD compares: African/African-American, 0.22%; 2 homozygotes.

Submission:

CeGaT Center for Human Genetics Tuebingen
Classification: Benign. Last evaluated: 2025-11-01. Review status: criteria provided, single submitter. Criteria: CeGaT Center For Human Genetics Tuebingen Variant Classification Criteria Version 2. Collection method: clinical testing. Allele origin: germline. Affected: yes. Observed: 2 variant alleles.
Comment: CELSR1: BS1, BS2

NM_001378328.1(CELSR1):c.8051A>G (p.Tyr2684Cys)

Gene: CELSR1 (cadherin EGF LAG seven-pass G-type receptor 1; minus strand). Cytogenetic location: 22q13.31.
Variant type: single nucleotide variant.
Coding change: c.8051A>G on transcript NM_001378328.1 (MANE Select); coding-DNA position 8051, A replaced by G.
Protein change: p.Tyr2684Cys; replaces tyrosine 2684 with cysteine.
Molecular consequence: missense variant.
Genome position (GRCh38, 1-based): chr22:46,367,757, T>C on the plus strand (A>G on the coding strand, the complement: CELSR1 is on the minus strand). VCF-style: chr22-46367757-T-C. GRCh37 (hg19) VCF-style: chr22-46763654-T-C.
Other names: c.8051A>G, p.Tyr2684Cys (NM_014246.4); short protein forms Y2684C.
Identifiers: ClinVar variation 2653311 (VCV002653311.24), dbSNP rs151196514, ClinGen allele CA10293019.
Genomic context (GRCh38, chr22:46,367,757, plus strand): 5'-GGGGTCCCGCGGGCAACTCGGCCGTCACCTACCTGTAAGCCGCTGAAGATGGCGAAGAGG[T>C]AGTGAAAGCTCAGTGCATCGCGGTTCACAGCCAGCAGCCCCAGCAGCCAGGTGGCGCTGA-3'
Protein context (NP_001365257.1, residues 2674-2694): AVNRDALSFH[Tyr2684Cys]LFAIFSGLQG